The following is an entry in ClinVar:

NM_014363.6(SACS):c.11150A>T (p.Lys3717Ile)

Gene: SACS (sacsin molecular chaperone; minus strand). Cytogenetic location: 13q12.12.
Variant type: single nucleotide variant.
Coding change: c.11150A>T on transcript NM_014363.6 (MANE Select); coding-DNA position 11150, A replaced by T.
Protein change: p.Lys3717Ile; replaces lysine 3717 with isoleucine.
Molecular consequence: missense variant.
Genome position (GRCh38, 1-based): chr13:23,332,726, T>A on the plus strand (A>T on the coding strand, the complement: SACS is on the minus strand). VCF-style: chr13-23332726-T-A. GRCh37 (hg19) VCF-style: chr13-23906865-T-A.
Other names: c.10709A>T, p.Lys3570Ile (NM_001278055.2); short protein forms K3570I, K3717I.
Identifiers: ClinVar variation 1000781 (VCV001000781.7), dbSNP rs1883567634, ClinGen allele CA387510626.

ClinVar aggregate classification (germline): Uncertain significance. Review status: criteria provided, single submitter (1 of 4 stars). 2 submissions from 2 submitters: Uncertain significance (1). 1 of the submissions does not count toward it. Last evaluated 2021-08-31.

Conditions:
Charlevoix-Saguenay spastic ataxia (SACS). Also called: SPASTIC ATAXIA 6, AUTOSOMAL RECESSIVE; AUTOSOMAL RECESSIVE SPASTIC ATAXIA OF CHARLEVOIX-SAGUENAY; Spastic ataxia of Charlevoix-Saguenay. Identifiers: Orphanet 98, MedGen C1849140, MONDO:0010041, OMIM 270550.
Spastic paraplegia. Identifiers: MedGen C0037772, HP:0001258.

Allele frequency attached by ClinVar (database versions not stated): TOPMed below 0.00001; gnomAD 0.00001; gnomAD exomes 0.00001.
gnomAD v4.1: 6 of 1,613,938 alleles (0.00037%); highest among the groups gnomAD compares: Non-Finnish European, 0.00051%; no homozygotes.

Submissions (2):

Labcorp Genetics (formerly Invitae), Labcorp
Classification: Uncertain significance for Spastic paraplegia. Last evaluated: 2021-08-31. Review status: criteria provided, single submitter. Criteria: Invitae Variant Classification Sherloc (09022015). Collection method: clinical testing. Allele origin: germline.
Comment: This sequence change replaces lysine with isoleucine at codon 3717 of the SACS protein (p.Lys3717Ile). The lysine residue is moderately conserved and there is a moderate physicochemical difference between lysine and isoleucine. This variant is not present in population databases (ExAC no frequency). This variant has not been reported in the literature in individuals affected with SACS-related conditions. Advanced modeling of protein sequence and biophysical properties (such as structural, functional, and spatial information, amino acid conservation, physicochemical variation, residue mobility, and thermodynamic stability) performed at Invitae indicates that this missense variant is not expected to disrupt SACS protein function. In summary, the available evidence is currently insufficient to determine the role of this variant in disease. Therefore, it has been classified as a Variant of Uncertain Significance.

Natera, Inc.
Classification: Uncertain significance for Charlevoix-Saguenay type spastic ataxia. Last evaluated: 2021-10-08. Review status: no assertion criteria provided. Collection method: clinical testing. Allele origin: germline. Not counted in ClinVar's aggregate classification.